The following is an entry in ClinVar:

ClinVar aggregate classification (germline): Uncertain significance. Review status: criteria provided, multiple submitters, no conflicts (2 of 4 stars). 2 submissions from 2 submitters: Uncertain significance (2). Last evaluated 2021-03-10.

Conditions:
Ataxia-telangiectasia syndrome (AT). Also called: Ataxia-telangiectasia, complementation group D; AT, COMPLEMENTATION GROUP C; ATAXIA-TELANGIECTASIA, COMPLEMENTATION GROUP A; ATAXIA-TELANGIECTASIA, FRESNO VARIANT; Ataxia-telangiectasia; LOUIS-BAR SYNDROME. Identifiers: Orphanet 100, MedGen C0004135, MONDO:0008840, OMIM 208900.

Allele frequency attached by ClinVar (database versions not stated): gnomAD exomes below 0.00001.
gnomAD v4.1: 1 of 1,614,050 alleles (0.000062%); highest among the groups gnomAD compares: Non-Finnish European, 0.000085%; no homozygotes.

Submissions (2):

GeneDx
Classification: Uncertain significance. Last evaluated: 2021-03-10. Review status: criteria provided, single submitter. Criteria: GeneDx Variant Classification Process June 2021. Collection method: clinical testing. Allele origin: germline. Affected: yes.
Comment: Not observed in large population cohorts (Lek 2016); In silico analysis supports that this missense variant has a deleterious effect on protein structure/function; Has not been previously published as pathogenic or benign to our knowledge

Labcorp Genetics (formerly Invitae), Labcorp
Classification: Uncertain significance for Ataxia-telangiectasia syndrome. Last evaluated: 2018-12-03. Review status: criteria provided, single submitter. Criteria: Invitae Variant Classification Sherloc (09022015). Collection method: clinical testing. Allele origin: germline.
Comment: This variant has not been reported in the literature in individuals with ATM-related conditions. In summary, the available evidence is currently insufficient to determine the role of this variant in disease. Therefore, it has been classified as a Variant of Uncertain Significance. Algorithms developed to predict the effect of missense changes on protein structure and function (SIFT, PolyPhen-2, Align-GVGD) all suggest that this variant is likely to be disruptive, but these predictions have not been confirmed by published functional studies and their clinical significance is uncertain. This variant is not present in population databases (ExAC no frequency). This sequence change replaces leucine with arginine at codon 2767 of the ATM protein (p.Leu2767Arg). The leucine residue is highly conserved and there is a moderate physicochemical difference between leucine and arginine.

NM_000051.4(ATM):c.8300T>G (p.Leu2767Arg)

Genes: ATM (ATM serine/threonine kinase; plus strand), C11orf65 (chromosome 11 open reading frame 65; minus strand). Cytogenetic location: 11q22.3.
Variant type: single nucleotide variant.
Coding change: c.8300T>G on transcript NM_000051.4 (MANE Select); coding-DNA position 8300, T replaced by G.
Protein change: p.Leu2767Arg; replaces leucine 2767 with arginine.
Molecular consequence: missense variant. On other transcripts: intron variant (2).
Genome position (GRCh38, 1-based): chr11:108,343,253, T>G. VCF-style: chr11-108343253-T-G. GRCh37 (hg19) VCF-style: chr11-108213980-T-G.
Other names: c.8300T>G, p.Leu2767Arg (NM_001351834.2); c.641-34182A>C (NM_001330368.2); c.695-7961A>C (NM_001351110.2); short protein forms L2767R.
Identifiers: ClinVar variation 659711 (VCV000659711.11), dbSNP rs1591247825, ClinGen allele CA382516340.
Genomic context (GRCh38, chr11:108,343,253, plus strand): 5'-ATTAAAAGGTATTTAATCTGTAACTCCAGGTGGTTCCCCTCTCTCAGCGAAGTGGTGTTC[T>G]TGAATGGTGCACAGGAACTGTCCCCATTGGTGAATTTCTTGTTAACAATGAAGATGGTGC-3'
Protein context (NP_000042.3, residues 2757-2777): VVPLSQRSGV[Leu2767Arg]EWCTGTVPIG